The following is an entry in ClinVar:

ClinVar aggregate classification (germline): Uncertain significance (1 of 4 stars; one submission).

Conditions:
Primary ciliary dyskinesia 30. Also called: CILIARY DYSKINESIA, PRIMARY, 30, WITH OR WITHOUT SITUS INVERSUS. Identifiers: Orphanet 244, MedGen C4015016, MONDO:0014465, OMIM 616037.

Allele frequency attached by ClinVar (database versions not stated): gnomAD exomes below 0.00001; TOPMed below 0.00001; ExAC 0.00001.
gnomAD v4.1: 7 of 1,613,328 alleles (0.00043%); highest among the groups gnomAD compares: Non-Finnish European, 0.00051%; no homozygotes.

Submission:

Labcorp Genetics (formerly Invitae), Labcorp
Classification: Uncertain significance for Primary ciliary dyskinesia 30. Last evaluated: 2022-07-17. Review status: criteria provided, single submitter. Criteria: Invitae Variant Classification Sherloc (09022015). Collection method: clinical testing. Allele origin: germline.
Comment: In summary, the available evidence is currently insufficient to determine the role of this variant in disease. Therefore, it has been classified as a Variant of Uncertain Significance. Algorithms developed to predict the effect of missense changes on protein structure and function output the following: SIFT: "Tolerated"; PolyPhen-2: "Benign"; Align-GVGD: "Class C0". The threonine amino acid residue is found in multiple mammalian species, which suggests that this missense change does not adversely affect protein function. This variant has not been reported in the literature in individuals affected with CCDC151-related conditions. This variant is present in population databases (rs769084446, gnomAD 0.0009%). This sequence change replaces methionine, which is neutral and non-polar, with threonine, which is neutral and polar, at codon 355 of the CCDC151 protein (p.Met355Thr).

NM_145045.5(ODAD3):c.1064T>C (p.Met355Thr)

Gene: ODAD3 (outer dynein arm docking complex subunit 3; minus strand). Cytogenetic location: 19p13.2.
Variant type: single nucleotide variant.
Coding change: c.1064T>C on transcript NM_145045.5 (MANE Select); coding-DNA position 1064, T replaced by C.
Protein change: p.Met355Thr; replaces methionine 355 with threonine.
Molecular consequence: missense variant.
Genome position (GRCh38, 1-based): chr19:11,423,929, A>G on the plus strand (T>C on the coding strand, the complement: ODAD3 is on the minus strand). VCF-style: chr19-11423929-A-G. GRCh37 (hg19) VCF-style: chr19-11534598-A-G.
Other names: c.902T>C, p.Met301Thr (NM_001302453.1); c.884T>C, p.Met295Thr (NM_001302454.2); short protein forms M301T, M355T, M295T.
Identifiers: ClinVar variation 2067386 (VCV002067386.4), dbSNP rs769084446, ClinGen allele CA9212152.
Genomic context (GRCh38, chr19:11,423,929, plus strand): 5'-GAACTCACGTGCGTCTCGTCAGTGCCAGTGGCGTCCTTGACCTTGCCAAAGATCACCTCC[A>G]TCTGGTACATGCTCCAGCGCTGCCGCAGCTCCTCCTCCTTGGCATGCAGGCTGTCCTGGA-3'
Protein context (NP_659482.3, residues 345-365): ELRQRWSMYQ[Met355Thr]EVIFGKVKDA